The following is an entry in ClinVar:

NM_021098.3(CACNA1H):c.6893G>A (p.Gly2298Glu)

Gene: CACNA1H (calcium voltage-gated channel subunit alpha1 H; plus strand). Cytogenetic location: 16p13.3.
Variant type: single nucleotide variant.
Coding change: c.6893G>A on transcript NM_021098.3 (MANE Select); coding-DNA position 6893, G replaced by A.
Protein change: p.Gly2298Glu; replaces glycine 2298 with glutamic acid.
Molecular consequence: missense variant.
Genome position (GRCh38, 1-based): chr16:1,220,825, G>A. VCF-style: chr16-1220825-G-A. GRCh37 (hg19) VCF-style: chr16-1270825-G-A.
Other names: c.6875G>A, p.Gly2292Glu (NM_001005407.2); c.6893G>A (NM_021098.2); short protein forms G2292E, G2298E.
Identifiers: ClinVar variation 1009483 (VCV001009483.9), dbSNP rs769136587, ClinGen allele CA7802538.

ClinVar aggregate classification (germline): Conflicting classifications of pathogenicity. Review status: criteria provided, conflicting classifications (1 of 4 stars). 2 submissions from 2 submitters: Uncertain significance (1); Benign (1). Last evaluated 2024-12-19.

Conditions:
CACNA1H-related disorder.
Idiopathic generalized epilepsy. Also called: Generalised epilepsy; EIG. Identifiers: MedGen C0270850, MONDO:0005579, OMIM 600669.
Hyperaldosteronism, familial, type IV (HALD4). Also called: FH IV; ALDOSTERONISM, PRIMARY, AND HYPERTENSION. Identifiers: Orphanet 642671, MedGen C4310756, MONDO:0014875, OMIM 617027.

Allele frequency attached by ClinVar (database versions not stated): gnomAD exomes 0.00002; ExAC 0.00003; TOPMed 0.00003; gnomAD 0.00004.
gnomAD v4.1: 120 of 1,612,598 alleles (0.0074%); highest among the groups gnomAD compares: Non-Finnish European, 0.0097%; no homozygotes.

Submissions (2):

PreventionGenetics, part of Exact Sciences
Classification: Uncertain significance for CACNA1H-related condition. Last evaluated: 2024-12-19. Review status: criteria provided, single submitter. Criteria: ACMG Guidelines, 2015. Collection method: clinical testing. Allele origin: germline.
Comment: The CACNA1H c.6893G>A variant is predicted to result in the amino acid substitution p.Gly2298Glu. To our knowledge, this variant has not been reported in the literature. This variant is reported in 0.0036% of alleles in individuals of European (Non-Finnish) descent in gnomAD. At this time, the clinical significance of this variant is uncertain due to the absence of conclusive functional and genetic evidence.

Labcorp Genetics (formerly Invitae), Labcorp
Classification: Benign for Idiopathic generalized epilepsy; Hyperaldosteronism, familial, type IV. Last evaluated: 2023-07-19. Review status: criteria provided, single submitter. Criteria: Invitae Variant Classification Sherloc (09022015). Collection method: clinical testing. Allele origin: germline.